The following is an entry in ClinVar:

ClinVar aggregate classification (germline): Conflicting classifications of pathogenicity. Review status: criteria provided, conflicting classifications (1 of 4 stars). 4 submissions from 4 submitters: Uncertain significance (2); Likely benign (1). 1 of the submissions does not count toward it. Last evaluated 2026-01-26.

Conditions:
CHD7-related disorder. Also called: CHD7-related condition.
Inborn genetic diseases. Identifiers: MedGen C0950123, MeSH D030342.
CHARGE syndrome (CHARGE). Also called: Coloboma, heart anomaly, choanal atresia, retardation, genital and ear anomalies; CHARGE association; Hall-Hittner syndrome; CHARGE ASSOCIATION--COLOBOMA, HEART ANOMALY, CHOANAL ATRESIA, RETARDATION, GENITAL AND EAR ANOMALIES; Hittner Hirsch Kreh syndrome. Identifiers: Orphanet 138, MedGen C0265354, MONDO:0008965.

Allele frequency attached by ClinVar (database versions not stated): gnomAD exomes below 0.00001 and 0.00003; gnomAD 0.00001; TOPMed 0.00001.
gnomAD v4.1: 50 of 1,613,796 alleles (0.0031%); highest among the groups gnomAD compares: Non-Finnish European, 0.004%; no homozygotes.

Submissions (4):

Labcorp Genetics (formerly Invitae), Labcorp
Classification: Likely benign for CHARGE syndrome. Last evaluated: 2026-01-26. Review status: criteria provided, single submitter. Criteria: Invitae Variant Classification Sherloc (09022015). Collection method: clinical testing. Allele origin: germline.

Ambry Genetics
Classification: Uncertain significance for Inborn genetic diseases. Last evaluated: 2023-04-07. Review status: criteria provided, single submitter. Criteria: Ambry Variant Classification Scheme 2023. Collection method: clinical testing. Allele origin: germline.
Comment: The p.L2146P variant (also known as c.6437T>C), located in coding exon 30 of the CHD7 gene, results from a T to C substitution at nucleotide position 6437. The leucine at codon 2146 is replaced by proline, an amino acid with similar properties. This amino acid position is conserved. In addition, this alteration is predicted to be tolerated by in silico analysis. Since supporting evidence is limited at this time, the clinical significance of this alteration remains unclear.

Eurofins Ntd Llc (ga)
Classification: Uncertain significance. Last evaluated: 2014-05-14. Review status: criteria provided, single submitter. Criteria: EGL Classification Definitions 2015. Collection method: clinical testing. Allele origin: germline. Observed: 1 variant allele, 1 heterozygote.

PreventionGenetics, part of Exact Sciences
Classification: Uncertain significance for CHD7-related condition. Last evaluated: 2024-03-09. Review status: no assertion criteria provided. Collection method: clinical testing. Allele origin: germline. Not counted in ClinVar's aggregate classification.
Comment: The CHD7 c.6437T>C variant is predicted to result in the amino acid substitution p.Leu2146Pro. To our knowledge, this variant has not been reported in the literature. This variant is reported in 0.00089% of alleles in individuals of European (Non-Finnish) descent in gnomAD. At this time, the clinical significance of this variant is uncertain due to the absence of conclusive functional and genetic evidence.

NM_017780.4(CHD7):c.6437T>C (p.Leu2146Pro)

Gene: CHD7 (chromodomain helicase DNA binding protein 7; plus strand). Cytogenetic location: 8q12.2.
Variant type: single nucleotide variant.
Coding change: c.6437T>C on transcript NM_017780.4 (MANE Select); coding-DNA position 6437, T replaced by C.
Protein change: p.Leu2146Pro; replaces leucine 2146 with proline.
Molecular consequence: missense variant. On other transcripts: intron variant (1).
Genome position (GRCh38, 1-based): chr8:60,853,162, T>C. VCF-style: chr8-60853162-T-C. GRCh37 (hg19) VCF-style: chr8-61765721-T-C.
Other names: c.1717-9067T>C (NM_001316690.1); c.6437T>C (NM_017780.3); short protein forms L2146P.
Identifiers: ClinVar variation 196706 (VCV000196706.9), dbSNP rs794727554, ClinGen allele CA243780.
Genomic context (GRCh38, chr8:60,853,162, plus strand): 5'-ATGCACATAAAAACTTTGCTCAAAACAGAGGGGCAGGTAATACATCTTCCTTGAACCCAC[T>C]GGCAGTTGGATTTGTCCAGACTCCTCCAGTCATCTCATCTGCTCATATTCAAGATGAGAG-3'
Protein context (NP_060250.2, residues 2136-2156): GAGNTSSLNP[Leu2146Pro]AVGFVQTPPV